The following is an entry in ClinVar:

NM_006648.4(WNK2):c.2251C>G (p.Pro751Ala)

Gene: WNK2 (WNK lysine deficient protein kinase 2; plus strand). Cytogenetic location: 9q22.31.
Variant type: single nucleotide variant.
Coding change: c.2251C>G on transcript NM_006648.4 (MANE Select); coding-DNA position 2251, C replaced by G.
Protein change: p.Pro751Ala; replaces proline 751 with alanine.
Molecular consequence: missense variant.
Genome position (GRCh38, 1-based): chr9:93,257,008, C>G. VCF-style: chr9-93257008-C-G. GRCh37 (hg19) VCF-style: chr9-96019290-C-G.
Other names: c.2251C>G, p.Pro751Ala (NM_001282394.3); short protein forms P751A.
Identifiers: ClinVar variation 2481354 (VCV002481354.3), dbSNP rs777610809, ClinGen allele CA5129551.

ClinVar aggregate classification (germline): Uncertain significance (1 of 4 stars; one submission).

Allele frequency attached by ClinVar (database versions not stated): gnomAD exomes 0.00001; ExAC 0.00002.
gnomAD v4.1: 16 of 1,601,222 alleles (0.001%); highest among the groups gnomAD compares: South Asian, 0.016%; no homozygotes.

Submission:

Ambry Genetics
Classification: Uncertain significance. Last evaluated: 2025-02-15. Review status: criteria provided, single submitter. Criteria: Ambry Variant Classification Scheme 2023. Collection method: clinical testing. Allele origin: germline.
Comment: The p.P751A variant (also known as c.2251C>G), located in coding exon 10 of the WNK2 gene, results from a C to G substitution at nucleotide position 2251. The proline at codon 751 is replaced by alanine, an amino acid with highly similar properties. This amino acid position is conserved. In addition, this alteration is predicted to be tolerated by in silico analysis. Based on the available evidence, the clinical significance of this variant remains unclear.